The following is an entry in ClinVar:

NM_001374736.1(DST):c.20049A>G (p.Glu6683=)

Gene: DST (dystonin; minus strand). Cytogenetic location: 6p12.1.
Variant type: single nucleotide variant.
Coding change: c.20049A>G on transcript NM_001374736.1 (MANE Select); coding-DNA position 20049, A replaced by G.
Protein change: p.Glu6683=; no amino-acid change (glutamic acid 6683 retained).
Molecular consequence: synonymous variant.
Genome position (GRCh38, 1-based): chr6:56,497,901, T>C on the plus strand (A>G on the coding strand, the complement: DST is on the minus strand). VCF-style: chr6-56497901-T-C. GRCh37 (hg19) VCF-style: chr6-56362699-T-C.
Other names: c.13692A>G, p.Glu4564= (NM_001144769.5); c.13278A>G, p.Glu4426= (NM_001144770.2); c.20049A>G, p.Glu6683= (NM_001374722.1); c.19089A>G, p.Glu6363= (NM_001374729.1); c.12831A>G, p.Glu4277= (NM_001374730.1); c.20076A>G, p.Glu6692= (NM_001374734.1); c.13158A>G, p.Glu4386= (NM_001386100.1, NM_183380.4); c.12180A>G, p.Glu4060= (NM_015548.5); and 1 more.
Identifiers: ClinVar variation 1133160 (VCV001133160.10), dbSNP rs746982969, ClinGen allele CA3866853.

ClinVar aggregate classification (germline): Likely benign. Review status: criteria provided, multiple submitters, no conflicts (2 of 4 stars). 2 submissions from 2 submitters: Likely benign (2). Last evaluated 2025-07-02.

Conditions:
DST-related disorder. Also called: DST-related condition; DST-related disorders.
Epidermolysis bullosa simplex 3, localized or generalized intermediate, with BP230 deficiency (EBS3). Also called: Epidermolysis bullosa simplex, autosomal recessive 2; Epidermolysis bullosa simplex due to BP230 deficiency. Identifiers: Orphanet 412181, MedGen C3809470, MONDO:0014180, OMIM 615425.
Hereditary sensory and autonomic neuropathy type 6. Also called: Neuropathy, hereditary sensory and autonomic, type VI; HSAN VI. Identifiers: Orphanet 314381, MedGen C3539003, MONDO:0013839, OMIM 614653.

Allele frequency attached by ClinVar (database versions not stated): gnomAD exomes 0.00002 and 0.00014; gnomAD 0.00004 and 0.00005; TOPMed 0.00005; ExAC 0.00011.
gnomAD v4.1: 37 of 1,612,984 alleles (0.0023%); highest among the groups gnomAD compares: East Asian, 0.08%; no homozygotes.

Submissions (2):

PreventionGenetics, part of Exact Sciences
Classification: Likely benign for DST-related condition. Last evaluated: 2025-07-02. Review status: criteria provided, single submitter. Criteria: ACMG Guidelines, 2015. Collection method: clinical testing. Allele origin: germline.
Comment: This variant is classified as likely benign based on ACMG/AMP sequence variant interpretation guidelines (Richards et al. 2015 PMID: 25741868, with internal and published modifications).

Labcorp Genetics (formerly Invitae), Labcorp
Classification: Likely benign for Epidermolysis bullosa simplex 3, localized or generalized intermediate, with BP230 deficiency; Hereditary sensory and autonomic neuropathy type 6. Last evaluated: 2025-03-09. Review status: criteria provided, single submitter. Criteria: Invitae Variant Classification Sherloc (09022015). Collection method: clinical testing. Allele origin: germline.